The following is an entry in ClinVar:

ClinVar aggregate classification (germline): Uncertain significance (1 of 4 stars; one submission).

Submission:

Ambry Genetics
Classification: Uncertain significance. Last evaluated: 2024-03-19. Review status: criteria provided, single submitter. Criteria: Ambry Variant Classification Scheme 2023. Collection method: clinical testing. Allele origin: germline.
Comment: The p.Q1897K variant (also known as c.5689C>A), located in coding exon 8 of the ALPK2 gene, results from a C to A substitution at nucleotide position 5689. The glutamine at codon 1897 is replaced by lysine, an amino acid with similar properties. This amino acid position is conserved. In addition, this alteration is predicted to be tolerated by in silico analysis. Based on the available evidence, the clinical significance of this alteration remains unclear.

NM_052947.4(ALPK2):c.5689C>A (p.Gln1897Lys)

Gene: ALPK2 (alpha kinase 2; minus strand). Cytogenetic location: 18q21.31.
Variant type: single nucleotide variant.
Coding change: c.5689C>A on transcript NM_052947.4 (MANE Select); coding-DNA position 5689, C replaced by A.
Protein change: p.Gln1897Lys; replaces glutamine 1897 with lysine.
Molecular consequence: missense variant.
Genome position (GRCh38, 1-based): chr18:58,517,159, G>T on the plus strand (C>A on the coding strand, the complement: ALPK2 is on the minus strand). VCF-style: chr18-58517159-G-T. GRCh37 (hg19) VCF-style: chr18-56184391-G-T.
Other names: short protein forms Q1897K.
Identifiers: ClinVar variation 3289801 (VCV003289801.1).
Genomic context (GRCh38, chr18:58,517,159, plus strand): 5'-GACCACGCAGGCGGCCCCCAAAGTAGCTGTCATGGAGGAAGTCTTCTTTGAAGATGAGTT[G>T]GCTGAATTCAATCTCTTCACATCCTGAAACACAGCACAGCTTTGGTTGGAAAGAATACCT-3'
Protein context (NP_443179.3, residues 1887-1907): TKGCEEIEFS[Gln1897Lys]LIFKEDFLHD